The following is an entry in ClinVar:

NM_000543.5(SMPD1):c.785_807del (p.Leu262fs)

Gene: SMPD1 (sphingomyelin phosphodiesterase 1; plus strand). Cytogenetic location: 11p15.4.
Variant type: Deletion.
Coding change: c.785_807del on transcript NM_000543.5 (MANE Select); coding-DNA positions 785 to 807, 23 bases deleted (TGTTGAGTGGGCTGGGCCCAGCC).
Protein change: p.Leu262fs; shifts the reading frame from leucine 262.
Molecular consequence: frameshift variant. On other transcripts: 5 prime UTR variant (1), non-coding transcript variant (1).
Genome position (GRCh38, 1-based): chr11:6,391,850-6,391,872, TGTTGAGTGGGCTGGGCCCAGCC deleted; deleting any 23 consecutive bases within chr11:6,391,846-6,391,872 gives the same sequence; the c. name uses the placement nearest the transcript's 3' end. VCF-style (leftmost placement, unchanged base first): chr11-6391845-GAGCCTGTTGAGTGGGCTGGGCCC-G. GRCh37 (hg19) VCF-style: chr11-6413075-GAGCCTGTTGAGTGGGCTGGGCCC-G.
Other names: c.785_807del (NM_000543.4); c.785_807delTGTTGAGTGGGCTGGGCCCAGCC (NM_000543.4); c.782_804del, p.Leu261fs (NM_001007593.3); c.785_807del, p.Leu262fs (NM_001318087.2, NM_001365135.2); c.-177_-155del (NM_001318088.2); short protein forms L262fs, L261fs.
Identifiers: ClinVar variation 195086 (VCV000195086.23), dbSNP rs794727252, ClinGen allele CA275070.

ClinVar aggregate classification (germline): Pathogenic. Review status: criteria provided, multiple submitters, no conflicts (2 of 4 stars). 10 submissions from 9 submitters: Pathogenic (8). 2 of the submissions do not count toward it. Last evaluated 2025-12-15.

Conditions:
Niemann-Pick disease, type A. Also called: SPHINGOMYELIN LIPIDOSIS; SPHINGOMYELINASE DEFICIENCY; Infantile Neurovisceral ASMD (Niemann-Pick Disease Type A; NPD-A). Identifiers: Orphanet 77292, MedGen C0268242, MONDO:0009756, OMIM 257200. Disease mechanism: loss of function.
Niemann-Pick disease, type B. Also called: Chronic Visceral ASMD (Niemann-Pick Disease Type B; NPD-B). Identifiers: Orphanet 77293, MedGen C0268243, MONDO:0011871, OMIM 607616. Disease mechanism: loss of function.
Sphingomyelin/cholesterol lipidosis. Also called: Niemann-Pick disease. Identifiers: MedGen C0028064, MONDO:0001982.

Submissions (10):

Labcorp Genetics (formerly Invitae), Labcorp
Classification: Pathogenic for Niemann-Pick disease, type B; Niemann-Pick disease, type A. Last evaluated: 2025-12-15. Review status: criteria provided, single submitter. Criteria: Invitae Variant Classification Sherloc (09022015). Collection method: clinical testing. Allele origin: germline.
Comment: This sequence change creates a premature translational stop signal (p.Leu262Argfs*4) in the SMPD1 gene. It is expected to result in an absent or disrupted protein product. Loss-of-function variants in SMPD1 are known to be pathogenic (PMID: 12369017, 15221801). This variant is present in population databases (rs794727252, gnomAD 0.01%). This variant has not been reported in the literature in individuals affected with SMPD1-related conditions. ClinVar contains an entry for this variant (Variation ID: 195086). For these reasons, this variant has been classified as Pathogenic.

Natera, Inc.
Classification: Pathogenic for Niemann-Pick Disease, Types A/B. Last evaluated: 2025-10-13. Review status: criteria provided, single submitter. Criteria: Natera Variant Classification Schema (03/2026). Collection method: clinical testing. Allele origin: germline.
Comment: The c.785_807delTGTTGAGTGGGCTGGGCCCAGCC variant in SMPD1 is a frameshift variant predicted to shift the reading frame beginning at codon 262 and leads to a stop codon 4 codons downstream. This variant is expected to result in nonsense mediated decay, truncation, or a dysfunctional protein product. This variant is rare in the general population with a frequency below the threshold expected for the associated phenotype(s). This variant has been observed in one or more individuals affected with the associated recessive disease, as either homozygous or compound heterozygous with a second variant (PMID: 25834946). Given the available evidence, this variant is classified as Pathogenic.

Baylor Genetics
Classification: Pathogenic for Niemann-Pick disease, type A. Last evaluated: 2024-02-26. Review status: criteria provided, single submitter. Criteria: ACMG Guidelines, 2015. Collection method: clinical testing. Allele origin: unknown.

Fulgent Genetics
Classification: Pathogenic for Niemann-Pick disease, type A; Niemann-Pick disease, type B. Last evaluated: 2021-10-02. Review status: criteria provided, single submitter. Criteria: ACMG Guidelines, 2015. Collection method: clinical testing. Allele origin: unknown.

Women's Health and Genetics/Laboratory Corporation of America, LabCorp
Classification: Pathogenic for Niemann-Pick disease, type B. Last evaluated: 2021-02-08. Review status: criteria provided, single submitter. Criteria: LabCorp Variant Classification Summary - May 2015. Collection method: clinical testing. Allele origin: germline.
Comment: Variant summary: SMPD1 c.785_807del23 (p.Leu262ArgfsX4) results in a premature termination codon, predicted to cause a truncation of the encoded protein or absence of the protein due to nonsense mediated decay, which are commonly known mechanisms for disease. Truncations downstream of this position have been classified as pathogenic by our laboratory. The variant allele was found at a frequency of 4e-06 in 249834 control chromosomes. The variant, c.785_807del23, has not, to our knowledge, been reported in the literature in individuals affected with Niemann-Pick Disease. To our knowledge, no experimental evidence demonstrating an impact on protein function has been reported. Three clinical diagnostic laboratories have submitted clinical-significance assessments for this variant to ClinVar after 2014 without evidence for independent evaluation. All laboratories classified the variant as pathogenic. Based on the evidence outlined above, the variant was classified as pathogenic.

GeneDx
Classification: Pathogenic. Last evaluated: 2020-03-09. Review status: criteria provided, single submitter. Criteria: GeneDx Variant Classification Process June 2021. Collection method: clinical testing. Allele origin: germline. Affected: yes.
Comment: Has not been previously published as pathogenic or benign to our knowledge; Frameshift variant predicted to result in protein truncation or nonsense mediated decay in a gene for which loss-of-function is a known mechanism of disease; Not observed at a significant frequency in large population cohorts (Lek et al., 2016); This variant is associated with the following publications: (PMID: 23418865)

Broad Center for Mendelian Genomics, Broad Institute of MIT and Harvard
Classification: Pathogenic for Sphingomyelin/cholesterol lipidosis. Last evaluated: 2020-01-22. Review status: criteria provided, single submitter. Criteria: ACMG Guidelines, 2015. Collection method: curation. Allele origin: germline. Inheritance: Autosomal recessive inheritance.
Comment: The p.Leu262ArgfsTer4 variant in SMPD1 (also known as p.Leu260ArgfsTer4 due to a difference in cDNA numbering) has been reported in at least 2 individuals with Niemann-Pick disease (PMID: 12712061, 15234149, 12369017, 17011332) and has been identified in 0.008% (2/24384) of African chromosomes and 0.001% (1/128550) of European (non-Finnish) chromosomes the Genome Aggregation Database (gnomAD; dbSNP rs794727252). Although this variant has been seen in the general population, its frequency is low enough to be consistent with a recessive carrier frequency. This variant has also been reported in ClinVar (VariationID: 195086) as pathogenic by EGL Genetic Diagnostics and as likely pathogenic by Integrated Genetics. This variant is predicted to cause a frameshift, which alters the protein's amino acid sequence beginning at position 262 and leads to a premature termination codon 4 amino acids downstream. This alteration is then predicted to lead to a truncated or absent protein. Loss of function of the SMPD1 gene is an established disease mechanism in autosomal recessive Niemann-Pick disease. The presence of this variant in combination with reported pathogenic variants in 2 individuals with Niemann-Pick disease increases the likelihood that the p.Leu262ArgfsTer4 variant is pathogenic (VariationID: 93315 198093; PMID: 12712061, 15234149, 12369017, 17011332). In summary, this variant meets criteria to be classified as pathogenic for Niemann-Pick disease in an autosomal recessive manner based on the prediction that it causes loss of function, its presence in combination with other pathogenic variants in affected individuals, and its low frequency in the general population. ACMG/AMP Criteria applied: PVS1, PM2, PM3 (Richards 2015).

Eurofins Ntd Llc (ga)
Classification: Pathogenic. Last evaluated: 2017-04-27. Review status: criteria provided, single submitter. Criteria: EGL Classification Definitions 2015. Collection method: clinical testing. Allele origin: germline. Observed: 3 variant alleles, 3 heterozygotes.

Counsyl
Classification: Likely pathogenic for Niemann-Pick disease, type A. Last evaluated: 2014-01-02. Review status: no assertion criteria provided. Collection method: clinical testing. Allele origin: unknown. Not counted in ClinVar's aggregate classification.

Counsyl
Classification: Likely pathogenic for Niemann-Pick disease, type B. Last evaluated: 2014-01-02. Review status: no assertion criteria provided. Collection method: clinical testing. Allele origin: unknown. Not counted in ClinVar's aggregate classification.

Literature cited by the submitters: PubMed 12369017 (cited by Labcorp Genetics (formerly Invitae), Labcorp and Broad Center for Mendelian Genomics, Broad Institute of MIT and Harvard); PubMed 15221801 (cited by Labcorp Genetics (formerly Invitae), Labcorp); PubMed 25834946 (cited by Natera, Inc.); PubMed 23418865 (cited by Women's Health and Genetics/Laboratory Corporation of America, LabCorp); PubMed 12712061 (cited by Broad Center for Mendelian Genomics, Broad Institute of MIT and Harvard); PubMed 17011332 (cited by Broad Center for Mendelian Genomics, Broad Institute of MIT and Harvard); PubMed 15234149 (cited by Broad Center for Mendelian Genomics, Broad Institute of MIT and Harvard).